The following is an entry in ClinVar:

ClinVar aggregate classification (germline): Uncertain significance (1 of 4 stars; one submission).

Allele frequency attached by ClinVar (database versions not stated): gnomAD exomes below 0.00001.
gnomAD v4.1: 1 of 1,614,164 alleles (0.000062%); highest among the groups gnomAD compares: East Asian, 0.0022%; no homozygotes.

Submission:

Ambry Genetics
Classification: Uncertain significance. Last evaluated: 2023-12-02. Review status: criteria provided, single submitter. Criteria: Ambry Variant Classification Scheme 2023. Collection method: clinical testing. Allele origin: germline.
Comment: The p.A1051V variant (also known as c.3152C>T), located in coding exon 1 of the MLH3 gene, results from a C to T substitution at nucleotide position 3152. The alanine at codon 1051 is replaced by valine, an amino acid with similar properties. This amino acid position is conserved. In addition, this alteration is predicted to be tolerated by in silico analysis. Since supporting evidence is limited at this time, the clinical significance of this alteration remains unclear.

NM_001040108.2(MLH3):c.3152C>T (p.Ala1051Val)

Gene: MLH3 (mutL homolog 3; minus strand). Cytogenetic location: 14q24.3.
Variant type: single nucleotide variant.
Coding change: c.3152C>T on transcript NM_001040108.2 (MANE Select); coding-DNA position 3152, C replaced by T.
Protein change: p.Ala1051Val; replaces alanine 1051 with valine.
Molecular consequence: missense variant.
Genome position (GRCh38, 1-based): chr14:75,046,504, G>A on the plus strand (C>T on the coding strand, the complement: MLH3 is on the minus strand). VCF-style: chr14-75046504-G-A. GRCh37 (hg19) VCF-style: chr14-75513207-G-A.
Other names: c.3152C>T, p.Ala1051Val (NM_014381.3); short protein forms A1051V.
Identifiers: ClinVar variation 3232527 (VCV003232527.1), dbSNP rs2139546755, ClinGen allele CA390435709.